The following is an entry in ClinVar:

NM_001291303.3(FAT4):c.405C>T (p.Phe135=)

Gene: FAT4 (FAT atypical cadherin 4; plus strand). Cytogenetic location: 4q28.1.
Variant type: single nucleotide variant.
Coding change: c.405C>T on transcript NM_001291303.3 (MANE Select); coding-DNA position 405, C replaced by T.
Protein change: p.Phe135=; no amino-acid change (phenylalanine 135 retained).
Molecular consequence: synonymous variant.
Genome position (GRCh38, 1-based): chr4:125,316,816, C>T. VCF-style: chr4-125316816-C-T. GRCh37 (hg19) VCF-style: chr4-126237971-C-T.
Other names: c.405C>T, p.Phe135= (NM_001291285.3, NM_024582.6).
Identifiers: ClinVar variation 380815 (VCV000380815.18), dbSNP rs72928772, ClinGen allele CA3071806.
Genomic context (GRCh38, chr4:125,316,816, plus strand): 5'-CACCTACCCCACCGAAGTGCGAGTGCTGGTGCGGGACCTCAATGACAACGCCCCCGTTTT[C>T]CCGGACCCCTCTATCGTGGTCACTTTCAAGGAAGACAGTAGCAGCGGACGCCAAGTCATC-3'
Protein context (NP_001278232.1, residues 125-145): VRDLNDNAPV[Phe135=]PDPSIVVTFK

ClinVar aggregate classification (germline): Benign. Review status: criteria provided, multiple submitters, no conflicts (2 of 4 stars). 8 submissions from 8 submitters: Benign (6). 2 of the submissions do not count toward it. Last evaluated 2026-02-04.

Allele frequency attached by ClinVar (database versions not stated): 1000 Genomes Project 0.13039; 1000 Genomes Project 30x 0.13164; TOPMed 0.16241; gnomAD 0.17366 and 0.17506; ESP Exome Variant Server 0.17387; gnomAD exomes 0.18526 and 0.21287; ExAC 0.18716.
gnomAD v4.1: 336,515 of 1,613,560 alleles (21%); highest among the groups gnomAD compares: Non-Finnish European, 23%; 36,566 homozygotes.

Submissions (8):

Labcorp Genetics (formerly Invitae), Labcorp
Classification: Benign. Last evaluated: 2026-02-04. Review status: criteria provided, single submitter. Criteria: Invitae Variant Classification Sherloc (09022015). Collection method: clinical testing. Allele origin: germline.

Blueprint Genetics
Classification: Benign. Last evaluated: 2024-11-26. Review status: criteria provided, single submitter. Criteria: ACMG Guidelines, 2015. Collection method: clinical testing. Allele origin: germline.

Unidad de Genómica Garrahan, Hospital de Pediatría Garrahan
Classification: Benign. Last evaluated: 2024-01-24. Review status: criteria provided, single submitter. Criteria: ACMG Guidelines, 2015. Collection method: clinical testing. Allele origin: germline. Affected: no. Observed: 32 variant alleles.
Comment: This variant is classified as Benign based on local population frequency. This variant was detected in 34% of patients studied by a panel of primary immunodeficiencies. Number of patients: 32. Only high quality variants are reported.

Laboratory for Molecular Medicine, Mass General Brigham Personalized Medicine
Classification: Benign. Last evaluated: 2016-03-29. Review status: criteria provided, single submitter. Criteria: LMM Criteria. Collection method: clinical testing. Allele origin: germline.
Comment: Variant identified in a genome or exome case(s) and assessed due to predicted null impact of the variant or pathogenic assertions in the literature or databases. Disclaimer: This variant has not undergone full assessment. The following are preliminary notes: 19% of total chromosomes in ExAC

GeneDx
Classification: Benign. Last evaluated: 2016-01-14. Review status: criteria provided, single submitter. Criteria: GeneDx Variant Classification (06012015). Collection method: clinical testing. Allele origin: germline. Affected: yes.
Comment: This variant is considered likely benign or benign based on one or more of the following criteria: it is a conservative change, it occurs at a poorly conserved position in the protein, it is predicted to be benign by multiple in silico algorithms, and/or has population frequency not consistent with disease.

Breakthrough Genomics
Classification: Benign. Review status: criteria provided, single submitter. Criteria: ACMG Guidelines, 2015. Collection method: not provided. Allele origin: germline. Inheritance: Autosomal recessive inheritance. Affected: yes.

Clinical Genetics DNA and cytogenetics Diagnostics Lab, Erasmus MC, Erasmus Medical Center
Classification: Benign. Review status: no assertion criteria provided. Collection method: clinical testing. Allele origin: germline. Affected: yes. Study: VKGL Data-share Consensus. Not counted in ClinVar's aggregate classification.

Clinical Genetics, Academic Medical Center
Classification: Benign. Review status: no assertion criteria provided. Collection method: clinical testing. Allele origin: germline. Affected: yes. Study: VKGL Data-share Consensus. Not counted in ClinVar's aggregate classification.